The following is an entry in ClinVar:

NM_005097.4(LGI1):c.1120C>T (p.His374Tyr)

Gene: LGI1 (leucine rich glioma inactivated 1; plus strand). Cytogenetic location: 10q23.33.
Variant type: single nucleotide variant.
Coding change: c.1120C>T on transcript NM_005097.4 (MANE Select); coding-DNA position 1120, C replaced by T.
Protein change: p.His374Tyr; replaces histidine 374 with tyrosine.
Molecular consequence: missense variant. On other transcripts: non-coding transcript variant (1), intron variant (1).
Genome position (GRCh38, 1-based): chr10:93,797,249, C>T. VCF-style: chr10-93797249-C-T. GRCh37 (hg19) VCF-style: chr10-95557006-C-T.
Other names: c.976C>T, p.His326Tyr (NM_001308276.2); c.839-500C>T (NM_001308275.2); c.1120C>T (NM_005097.2); short protein forms H326Y, H374Y.
Identifiers: ClinVar variation 806549 (VCV000806549.44), dbSNP rs1589775849, ClinGen allele CA377627810.

ClinVar aggregate classification (germline): Uncertain significance. Review status: criteria provided, multiple submitters, no conflicts (2 of 4 stars). 2 submissions from 2 submitters: Uncertain significance (2). Last evaluated 2025-11-21.

Submissions (2):

GeneDx
Classification: Uncertain significance. Last evaluated: 2025-11-21. Review status: criteria provided, single submitter. Criteria: GeneDx Variant Classification Process June 2021. Collection method: clinical testing. Allele origin: germline.
Comment: Not observed at significant frequency in large population cohorts (gnomAD); In silico analysis supports that this missense variant has a deleterious effect on protein structure/function; Has not been previously published as pathogenic or benign to our knowledge

CeGaT Center for Human Genetics Tuebingen
Classification: Uncertain significance. Last evaluated: 2019-04-01. Review status: criteria provided, single submitter. Criteria: CeGaT Center For Human Genetics Tuebingen Variant Classification Criteria Version 2. Collection method: clinical testing. Allele origin: germline. Affected: yes. Observed: 1 variant allele.